The following is an entry in ClinVar:

ClinVar aggregate classification (germline): Uncertain significance (1 of 4 stars; one submission).

Conditions:
Developmental and epileptic encephalopathy, 9 (DEE9). Also called: Early infantile epileptic encephalopathy 9; EPILEPSY, FEMALE-RESTRICTED, WITH MENTAL RETARDATION; JUBERG-HELLMAN SYNDROME; PCDH19-Related X-Linked Female-Limited Epilepsy with Mental Retardation. Identifiers: Orphanet 101039, Orphanet 2076, MedGen C1848137, MONDO:0010246, OMIM 300088. Disease mechanism: loss of function.

Allele frequency attached by ClinVar (database versions not stated): gnomAD exomes below 0.00001; ExAC 0.00001.
gnomAD v4.1: 4 of 1,211,297 alleles (0.00033%); highest among the groups gnomAD compares: Admixed American, 0.0065%; no homozygotes.

Submission:

Labcorp Genetics (formerly Invitae), Labcorp
Classification: Uncertain significance for Developmental and epileptic encephalopathy, 9. Last evaluated: 2023-08-18. Review status: criteria provided, single submitter. Criteria: Invitae Variant Classification Sherloc (09022015). Collection method: clinical testing. Allele origin: germline.
Comment: This variant is present in population databases (rs760375131, gnomAD 0.008%). This sequence change replaces arginine, which is basic and polar, with glutamine, which is neutral and polar, at codon 974 of the PCDH19 protein (p.Arg974Gln). This variant has not been reported in the literature in individuals affected with PCDH19-related conditions. Advanced modeling of protein sequence and biophysical properties (such as structural, functional, and spatial information, amino acid conservation, physicochemical variation, residue mobility, and thermodynamic stability) performed at Invitae indicates that this missense variant is not expected to disrupt PCDH19 protein function. In summary, the available evidence is currently insufficient to determine the role of this variant in disease. Therefore, it has been classified as a Variant of Uncertain Significance.

NM_001184880.2(PCDH19):c.2921G>A (p.Arg974Gln)

Gene: PCDH19 (protocadherin 19; minus strand). Cytogenetic location: Xq22.1.
Variant type: single nucleotide variant.
Coding change: c.2921G>A on transcript NM_001184880.2 (MANE Select); coding-DNA position 2921, G replaced by A.
Protein change: p.Arg974Gln; replaces arginine 974 with glutamine.
Molecular consequence: missense variant.
Genome position (GRCh38, 1-based): chrX:100,296,803, C>T on the plus strand (G>A on the coding strand, the complement: PCDH19 is on the minus strand). VCF-style: chrX-100296803-C-T. GRCh37 (hg19) VCF-style: chrX-99551801-C-T.
Other names: c.2780G>A, p.Arg927Gln (NM_001105243.2); c.2777G>A, p.Arg926Gln (NM_020766.3); short protein forms R927Q, R974Q, R926Q.
Identifiers: ClinVar variation 2693788 (VCV002693788.3), dbSNP rs760375131, ClinGen allele CA10468692.
Genomic context (GRCh38, chrX:100,296,803, plus strand): 5'-GACAGCGCGATGATGTTCCTCACATGCTCAGGGGACTTGGAACGGATGGGCATGGGGTTC[C>T]GGGGCATCCAGCACCTGTCAGAGTGGCCAAGAATCCGGCATTCTTCCCGGCAATGAAATC-3'
Protein context (NP_001171809.1, residues 964-984): LGHSDRCWMP[Arg974Gln]NPMPIRSKSP